The following is an entry in ClinVar:

ClinVar aggregate classification (germline): Pathogenic. Review status: criteria provided, multiple submitters, no conflicts (2 of 4 stars). 9 submissions from 8 submitters: Pathogenic (8). 1 of the submissions does not count toward it. Last evaluated 2025-09-10.

Conditions:
Inflammatory bowel disease 1 (IBD1). Also called: INFLAMMATORY BOWEL DISEASE (CROHN DISEASE) 1; Inflammatory bowel disease 1, Crohn disease. Identifiers: MedGen CN260071, MONDO:0009960, OMIM 266600.
ERCC2-related disorder. Also called: ERCC2-related disorders; ERCC2-related conditions; ERCC2-related condition. Identifiers: MedGen CN239291.
Cerebrooculofacioskeletal syndrome 2 (COFS2). Identifiers: MedGen C1853102, MONDO:0012553, OMIM 610756.
Trichothiodystrophy 1, photosensitive (TTD1). Also called: TAY SYNDROME; TRICHOTHIODYSTROPHY WITH CONGENITAL ICHTHYOSIS; PIBIDS SYNDROME. Identifiers: Orphanet 33364, MedGen C1866504, MONDO:0011125, OMIM 601675.
Xeroderma pigmentosum, group D (XPD). Also called: XERODERMA PIGMENTOSUM, COMPLEMENTATION GROUP D; ERCC2-Related Xeroderma Pigmentosum; XERODERMA PIGMENTOSUM IV; XP, GROUP D; XP, GROUP H. Identifiers: MedGen C0268138, MONDO:0010212, OMIM 278730.

Allele frequency attached by ClinVar (database versions not stated): gnomAD 0.00001.

Submissions (9):

Genomic Medicine Center of Excellence, King Faisal Specialist Hospital and Research Centre
Classification: Pathogenic for Trichothiodystrophy 1, photosensitive. Last evaluated: 2025-09-10. Review status: criteria provided, single submitter. Criteria: ACMG Guidelines, 2015. Collection method: clinical testing. Allele origin: germline.

Genomic Medicine Center of Excellence, King Faisal Specialist Hospital and Research Centre
Classification: Pathogenic for Inflammatory bowel disease 1. Last evaluated: 2024-12-17. Review status: criteria provided, single submitter. Criteria: ACMG Guidelines, 2015. Collection method: clinical testing. Allele origin: germline.

Labcorp Genetics (formerly Invitae), Labcorp
Classification: Pathogenic. Last evaluated: 2024-12-07. Review status: criteria provided, single submitter. Criteria: Invitae Variant Classification Sherloc (09022015). Collection method: clinical testing. Allele origin: germline.
Comment: This sequence change replaces arginine, which is basic and polar, with glutamine, which is neutral and polar, at codon 683 of the ERCC2 protein (p.Arg683Gln). This variant is present in population databases (no rsID available, gnomAD 0.01%). This missense change has been observed in individuals with xeroderma pigmentosum (PMID: 9238033, 22826098, 23800062, 24418926, 29169765). It has also been observed to segregate with disease in related individuals. ClinVar contains an entry for this variant (Variation ID: 264679). An algorithm developed to predict the effect of missense changes on protein structure and function (PolyPhen-2) suggests that this variant is likely to be disruptive. Experimental studies have shown that this missense change affects ERCC2 function (PMID: 18510925, 25431422). Algorithms developed to predict the effect of sequence changes on RNA splicing suggest that this variant may create or strengthen a splice site. For these reasons, this variant has been classified as Pathogenic.

GeneDx
Classification: Pathogenic. Last evaluated: 2024-11-11. Review status: criteria provided, single submitter. Criteria: GeneDx Variant Classification Process June 2021. Collection method: clinical testing. Allele origin: germline. Affected: yes.
Comment: In silico analysis supports that this missense variant has a deleterious effect on protein structure/function; In silico analysis supports a deleterious effect on splicing; This variant is associated with the following publications: (PMID: 32047639, 18510925, 24418926, 23800062, 22826098, 23221806, 9238033, 29169765, 36342058, 34918830)

Baylor Genetics
Classification: Pathogenic for Cerebrooculofacioskeletal syndrome 2. Last evaluated: 2024-03-14. Review status: criteria provided, single submitter. Criteria: ACMG Guidelines, 2015. Collection method: clinical testing. Allele origin: unknown.

Fulgent Genetics
Classification: Pathogenic for Xeroderma pigmentosum, group D; Trichothiodystrophy 1, photosensitive; Cerebrooculofacioskeletal syndrome 2. Last evaluated: 2024-02-15. Review status: criteria provided, single submitter. Criteria: ACMG Guidelines, 2015. Collection method: clinical testing. Allele origin: germline.

Blueprint Genetics
Classification: Pathogenic for ERCC2-related disorders. Last evaluated: 2024-01-24. Review status: criteria provided, single submitter. Criteria: ACMG Guidelines, 2015. Collection method: clinical testing. Allele origin: germline. Affected: yes. Observed: 3 variant alleles.

Johns Hopkins Genomics, Johns Hopkins University
Classification: Pathogenic for Xeroderma pigmentosum, group D. Last evaluated: 2021-06-01. Review status: criteria provided, single submitter. Criteria: ACMG Guidelines, 2015. Collection method: clinical testing. Allele origin: germline.
Comment: ERCC2 c.2048G>A has been reported in multiple individuals with XP. This ERCC2 variant (rs758439420 is rare (<0.1%) in a large population dataset4 (gnomAD: 4/251114 total alleles; 0.002%; no homozygotes) and been reported in ClinVar (variation ID: 264679). Three bioinformatics tools predict that this substitution would not be tolerated and the arginine residue at this position is evolutionarily conserved across all species assessed. In vitro studies have suggested that p.Arg683Gln affects ERCC2 protein function. We consider ERCC2 c.2048G>A to be pathogenic.

GeneReviews
No classification provided. Condition: Xeroderma pigmentosum, group D. Review status: no classification provided. Collection method: literature only. Allele origin: germline. Affected: yes. Not counted in ClinVar's aggregate classification.

Literature cited by the submitters: PubMed 9238033 (cited by Labcorp Genetics (formerly Invitae), Labcorp); PubMed 22826098 (cited by 3 submitters); PubMed 23800062 (cited by Labcorp Genetics (formerly Invitae), Labcorp); PubMed 24418926 (cited by Labcorp Genetics (formerly Invitae), Labcorp and Johns Hopkins Genomics, Johns Hopkins University); PubMed 29169765 (cited by Labcorp Genetics (formerly Invitae), Labcorp and Johns Hopkins Genomics, Johns Hopkins University); PubMed 18510925 (cited by Labcorp Genetics (formerly Invitae), Labcorp and Johns Hopkins Genomics, Johns Hopkins University); PubMed 25431422 (cited by Labcorp Genetics (formerly Invitae), Labcorp and Johns Hopkins Genomics, Johns Hopkins University); PubMed 18510924 (cited by Johns Hopkins Genomics, Johns Hopkins University); PubMed 32047639 (cited by Johns Hopkins Genomics, Johns Hopkins University); NCBI Bookshelf NBK1397 (cited by GeneReviews).

NM_000400.4(ERCC2):c.2048G>A (p.Arg683Gln)

Gene: ERCC2 (ERCC excision repair 2, TFIIH core complex helicase subunit; minus strand). Cytogenetic location: 19q13.32.
Variant type: single nucleotide variant.
Coding change: c.2048G>A on transcript NM_000400.4 (MANE Select); coding-DNA position 2048, G replaced by A.
Protein change: p.Arg683Gln; replaces arginine 683 with glutamine.
Molecular consequence: missense variant.
Genome position (GRCh38, 1-based): chr19:45,352,351, C>T on the plus strand (G>A on the coding strand, the complement: ERCC2 is on the minus strand). VCF-style: chr19-45352351-C-T. GRCh37 (hg19) VCF-style: chr19-45855609-C-T.
Identifiers: ClinVar variation 264679 (VCV000264679.21), dbSNP rs758439420, ClinGen allele CA10587999.